The following is an entry in ClinVar:

NM_001447.3(FAT2):c.8294T>C (p.Ile2765Thr)

Genes: FAT2 (FAT atypical cadherin 2; minus strand), SLC36A1 (solute carrier family 36 member 1; plus strand). Cytogenetic location: 5q33.1.
Variant type: single nucleotide variant.
Coding change: c.8294T>C on transcript NM_001447.3 (MANE Select); coding-DNA position 8294, T replaced by C.
Protein change: p.Ile2765Thr; replaces isoleucine 2765 with threonine.
Molecular consequence: missense variant.
Genome position (GRCh38, 1-based): chr5:151,542,833, A>G on the plus strand (T>C on the coding strand, the complement: FAT2 is on the minus strand). VCF-style: chr5-151542833-A-G. GRCh37 (hg19) VCF-style: chr5-150922394-A-G.
Other names: c.8294T>C (NM_001447.2); short protein forms I2765T.
Identifiers: ClinVar variation 3694481 (VCV003694481.3).

ClinVar aggregate classification (germline): Uncertain significance. Review status: criteria provided, multiple submitters, no conflicts (2 of 4 stars). 2 submissions from 2 submitters: Uncertain significance (2). Last evaluated 2025-02-10.

gnomAD v4.1: 21 of 1,614,056 alleles (0.0013%); highest among the groups gnomAD compares: African/African-American, 0.0093%; no homozygotes.

Submissions (2):

Ambry Genetics
Classification: Uncertain significance. Last evaluated: 2025-02-10. Review status: criteria provided, single submitter. Criteria: Ambry Variant Classification Scheme 2023. Collection method: clinical testing. Allele origin: germline.

Labcorp Genetics (formerly Invitae), Labcorp
Classification: Uncertain significance. Last evaluated: 2024-03-02. Review status: criteria provided, single submitter. Criteria: Invitae Variant Classification Sherloc (09022015). Collection method: clinical testing. Allele origin: germline.
Comment: This sequence change replaces isoleucine, which is neutral and non-polar, with threonine, which is neutral and polar, at codon 2765 of the FAT2 protein (p.Ile2765Thr). This variant is present in population databases (rs764496363, gnomAD 0.007%). This variant has not been reported in the literature in individuals affected with FAT2-related conditions. Advanced modeling of protein sequence and biophysical properties (such as structural, functional, and spatial information, amino acid conservation, physicochemical variation, residue mobility, and thermodynamic stability) performed at Invitae indicates that this missense variant is expected to disrupt FAT2 protein function with a positive predictive value of 80%. In summary, the available evidence is currently insufficient to determine the role of this variant in disease. Therefore, it has been classified as a Variant of Uncertain Significance.